The following is an entry in ClinVar:

ClinVar aggregate classification (germline): Uncertain significance (1 of 4 stars; one submission).

Conditions:
Primary ciliary dyskinesia. Also called: Ciliary dyskinesia. Identifiers: Orphanet 244, MedGen C0008780, MONDO:0016575, HP:0012265.

Submission:

Labcorp Genetics (formerly Invitae), Labcorp
Classification: Uncertain significance for Primary ciliary dyskinesia. Last evaluated: 2020-02-17. Review status: criteria provided, single submitter. Criteria: Invitae Variant Classification Sherloc (09022015). Collection method: clinical testing. Allele origin: germline.
Comment: This sequence change replaces proline with leucine at codon 2478 of the DNAH11 protein (p.Pro2478Leu). The proline residue is highly conserved and there is a moderate physicochemical difference between proline and leucine. In summary, the available evidence is currently insufficient to determine the role of this variant in disease. Therefore, it has been classified as a Variant of Uncertain Significance. Algorithms developed to predict the effect of missense changes on protein structure and function are either unavailable or do not agree on the potential impact of this missense change (SIFT: "Tolerated"; PolyPhen-2: "Possibly Damaging"; Align-GVGD: "Class C0"). This variant has not been reported in the literature in individuals with DNAH11-related conditions. This variant is not present in population databases (ExAC no frequency).

NM_001277115.2(DNAH11):c.7433C>T (p.Pro2478Leu)

Gene: DNAH11 (dynein axonemal heavy chain 11; plus strand). Cytogenetic location: 7p15.3.
Variant type: single nucleotide variant.
Coding change: c.7433C>T on transcript NM_001277115.2 (MANE Select); coding-DNA position 7433, C replaced by T.
Protein change: p.Pro2478Leu; replaces proline 2478 with leucine.
Molecular consequence: missense variant.
Genome position (GRCh38, 1-based): chr7:21,725,977, C>T. VCF-style: chr7-21725977-C-T. GRCh37 (hg19) VCF-style: chr7-21765595-C-T.
Other names: short protein forms P2478L.
Identifiers: ClinVar variation 1006970 (VCV001006970.17), dbSNP rs1785086357, ClinGen allele CA366946138.
Genomic context (GRCh38, chr7:21,725,977, plus strand): 5'-CTAAGAAATTATTGCCCTGGGCTGACAAAATTGCCCAGTTTACTATGGATCCAGATGTGC[C>T]TCTGCAGGTAGGTGTGTGGAACATAGCAATTGTATTAGTCTGTTTTCATATTGCTATAAA-3'
Protein context (NP_001264044.1, residues 2468-2488): IAQFTMDPDV[Pro2478Leu]LQTVLVHTTE